The following is an entry in ClinVar:

ClinVar aggregate classification (germline): Benign (1 of 4 stars; one submission).

Conditions:
Gamma-aminobutyric acid transaminase deficiency (GABATD). Also called: GABA aminotransaminase deficiency; GABA transaminase deficiency; Gamma aminobutyrate transaminase deficiency; 4 alpha aminobutyrate transaminase deficiency. Identifiers: Orphanet 2066, MedGen C0342708, MONDO:0013166, OMIM 613163.

Allele frequency attached by ClinVar (database versions not stated): 1000 Genomes Project 0.00859; TOPMed 0.00942; 1000 Genomes Project 30x 0.00968.

Submission:

Illumina Laboratory Services, Illumina
Classification: Benign for Gamma-aminobutyric acid transaminase deficiency. Last evaluated: 2018-01-13. Review status: criteria provided, single submitter. Criteria: ICSL Variant Classification Criteria 13 December 2019. Collection method: clinical testing. Allele origin: germline.
Comment: This variant was observed in the ICSL laboratory as part of a predisposition screen in an ostensibly healthy population. It had not been previously curated by ICSL or reported in the Human Gene Mutation Database (HGMD: prior to June 1st, 2018), and was therefore a candidate for classification through an automated scoring system. Utilizing variant allele frequency, disease prevalence and penetrance estimates, and inheritance mode, an automated score was calculated to assess if this variant is too frequent to cause the disease. Based on the score and internal cut-off values, a variant classified as benign is not then subjected to further curation. The score for this variant resulted in a classification of benign for this disease.

NM_020686.6(ABAT):c.*1133G>A

Gene: ABAT (4-aminobutyrate aminotransferase; plus strand). Cytogenetic location: 16p13.2.
Variant type: single nucleotide variant.
Coding change: c.*1133G>A on transcript NM_020686.6 (MANE Select); 1133 bases downstream of the stop codon, G replaced by A.
Molecular consequence: 3 prime UTR variant.
Genome position (GRCh38, 1-based): chr16:8,782,563, G>A. VCF-style: chr16-8782563-G-A. GRCh37 (hg19) VCF-style: chr16-8876420-G-A.
Other names: c.*1133G>A (NM_000663.5, NM_001127448.2, NM_001386600.1 and 14 more transcripts); c.*1147G>A (NM_001386609.1, NM_001386616.1).
Identifiers: ClinVar variation 321112 (VCV000321112.5), dbSNP rs77110218, ClinGen allele CA10649105.